The following is an entry in ClinVar:

NM_000066.4(C8B):c.53del (p.Leu18fs)

Gene: C8B (complement C8 beta chain; minus strand). Cytogenetic location: 1p32.2.
Variant type: Deletion.
Coding change: c.53del on transcript NM_000066.4 (MANE Select); coding-DNA position 53, one base deleted (T; older notation c.53delT).
Protein change: p.Leu18fs; shifts the reading frame from leucine 18.
Molecular consequence: frameshift variant. On other transcripts: 5 prime UTR variant (2).
Genome position (GRCh38, 1-based): chr1:56,965,896, A deleted on the plus strand (T on the coding strand, the reverse complement: C8B is on the minus strand). VCF-style (leftmost placement, unchanged base first): chr1-56965895-GA-G. GRCh37 (hg19) VCF-style: chr1-57431568-GA-G.
Other names: c.-326del (NM_001278543.2); c.-263del (NM_001278544.2); short protein forms L18fs.
Identifiers: ClinVar variation 1457390 (VCV001457390.6), dbSNP rs1645249331, ClinGen allele CA1168790765.

ClinVar aggregate classification (germline): Pathogenic (1 of 4 stars; one submission).

Allele frequency attached by ClinVar (database versions not stated): gnomAD exomes below 0.00001; TOPMed below 0.00001.

Submission:

Labcorp Genetics (formerly Invitae), Labcorp
Classification: Pathogenic. Last evaluated: 2024-11-05. Review status: criteria provided, single submitter. Criteria: Invitae Variant Classification Sherloc (09022015). Collection method: clinical testing. Allele origin: germline.
Comment: This sequence change creates a premature translational stop signal (p.Leu18Profs*43) in the C8B gene. It is expected to result in an absent or disrupted protein product. Loss-of-function variants in C8B are known to be pathogenic (PMID: 7594510). This variant is not present in population databases (gnomAD no frequency). This variant has not been reported in the literature in individuals affected with C8B-related conditions. ClinVar contains an entry for this variant (Variation ID: 1457390). For these reasons, this variant has been classified as Pathogenic.

Literature cited by the submitters: PubMed 7594510.